The following is an entry in ClinVar:

NM_004484.4(GPC3):c.526C>G (p.Pro176Ala)

Gene: GPC3 (glypican 3; minus strand). Cytogenetic location: Xq26.2.
Variant type: single nucleotide variant.
Coding change: c.526C>G on transcript NM_004484.4 (MANE Select); coding-DNA position 526, C replaced by G.
Protein change: p.Pro176Ala; replaces proline 176 with alanine.
Molecular consequence: missense variant.
Genome position (GRCh38, 1-based): chrX:133,753,988, G>C on the plus strand (C>G on the coding strand, the complement: GPC3 is on the minus strand). VCF-style: chrX-133753988-G-C. GRCh37 (hg19) VCF-style: chrX-132888015-G-C.
Other names: c.526C>G, p.Pro176Ala (NM_001164617.2); c.478C>G, p.Pro160Ala (NM_001164618.2); c.364C>G, p.Pro122Ala (NM_001164619.2); short protein forms P176A, P160A, P122A.
Identifiers: ClinVar variation 543094 (VCV000543094.9), dbSNP rs748458384, ClinGen allele CA414706424.
Genomic context (GRCh38, chrX:133,753,988, plus strand): 5'-CATTGATGTCCAAGGCTGAATCAGGCAGGCCTGGGTTCATTAGCTGGGTATAGATGACTG[G>C]AAACAGGCTGTCAAACAATTCATTGACCATGTCATCTACATTGATGTCAGAACCCAAGAT-3'
Protein context (NP_004475.1, residues 166-186): MVNELFDSLF[Pro176Ala]VIYTQLMNPG

ClinVar aggregate classification (germline): Uncertain significance (1 of 4 stars; one submission).

Conditions:
Wilms tumor 1 (WT1). Also called: Wilms tumor, somatic. Identifiers: Orphanet 654, MedGen CN033288, MONDO:0008679, OMIM 194070.

Allele frequency attached by ClinVar (database versions not stated): gnomAD 0.00001.
gnomAD v4.1: 2 of 1,209,286 alleles (0.00017%); highest among the groups gnomAD compares: Non-Finnish European, 0.00022%; no homozygotes.

Submission:

Labcorp Genetics (formerly Invitae), Labcorp
Classification: Uncertain significance for Wilms tumor 1. Last evaluated: 2023-04-24. Review status: criteria provided, single submitter. Criteria: Invitae Variant Classification Sherloc (09022015). Collection method: clinical testing. Allele origin: germline.
Comment: This sequence change replaces proline, which is neutral and non-polar, with alanine, which is neutral and non-polar, at codon 176 of the GPC3 protein (p.Pro176Ala). In summary, the available evidence is currently insufficient to determine the role of this variant in disease. Therefore, it has been classified as a Variant of Uncertain Significance. Advanced modeling of protein sequence and biophysical properties (such as structural, functional, and spatial information, amino acid conservation, physicochemical variation, residue mobility, and thermodynamic stability) performed at Invitae indicates that this missense variant is expected to disrupt GPC3 protein function. ClinVar contains an entry for this variant (Variation ID: 543094). This variant has not been reported in the literature in individuals affected with GPC3-related conditions. This variant is present in population databases (no rsID available, gnomAD 0.02%), including at least one homozygous and/or hemizygous individual.